The following is an entry in ClinVar:

ClinVar aggregate classification (germline): Uncertain significance (1 of 4 stars; one submission).

Conditions:
Myopathy, proximal, and ophthalmoplegia (CMYO6). Also called: INCLUSION BODY MYOPATHY 3, AUTOSOMAL DOMINANT; MYOPATHY WITH CONGENITAL JOINT CONTRACTURES, OPHTHALMOPLEGIA, AND RIMMED VACUOLES; CONGENITAL MYOPATHY 6 WITH OPHTHALMOPLEGIA. Identifiers: Orphanet 363677, Orphanet 79091, MedGen C1854106, MONDO:0011577, OMIM 605637.

Allele frequency attached by ClinVar (database versions not stated): gnomAD exomes 0.00004 and 0.00001; TOPMed 0.00010; ExAC 0.00002; gnomAD 0.00007.
gnomAD v4.1: 21 of 1,614,054 alleles (0.0013%); highest among the groups gnomAD compares: Admixed American, 0.032%; no homozygotes.

Submission:

Labcorp Genetics (formerly Invitae), Labcorp
Classification: Uncertain significance for Myopathy, proximal, and ophthalmoplegia. Last evaluated: 2022-08-16. Review status: criteria provided, single submitter. Criteria: Invitae Variant Classification Sherloc (09022015). Collection method: clinical testing. Allele origin: germline.
Comment: Algorithms developed to predict the effect of missense changes on protein structure and function (SIFT, PolyPhen-2, Align-GVGD) all suggest that this variant is likely to be disruptive. In summary, the available evidence is currently insufficient to determine the role of this variant in disease. Therefore, it has been classified as a Variant of Uncertain Significance. ClinVar contains an entry for this variant (Variation ID: 654283). This variant has not been reported in the literature in individuals affected with MYH2-related conditions. This variant is present in population databases (rs113713308, gnomAD 0.02%). This sequence change replaces lysine, which is basic and polar, with threonine, which is neutral and polar, at codon 1575 of the MYH2 protein (p.Lys1575Thr).

NM_017534.6(MYH2):c.4724A>C (p.Lys1575Thr)

Genes: MYH2 (myosin heavy chain 2; minus strand), MYHAS (myosin heavy chain gene cluster antisense RNA; plus strand), LOC126862500 (BRD4-independent group 4 enhancer GRCh37_chr17:10427829-10429028; plus strand). Cytogenetic location: 17p13.1.
Variant type: single nucleotide variant.
Coding change: c.4724A>C on transcript NM_017534.6 (MANE Select); coding-DNA position 4724, A replaced by C.
Protein change: p.Lys1575Thr; replaces lysine 1575 with threonine.
Molecular consequence: missense variant.
Genome position (GRCh38, 1-based): chr17:10,525,004, T>G on the plus strand (A>C on the coding strand, the complement: MYH2 is on the minus strand). VCF-style: chr17-10525004-T-G. GRCh37 (hg19) VCF-style: chr17-10428321-T-G.
Other names: c.4724A>C, p.Lys1575Thr (NM_001100112.2); short protein forms K1575T.
Identifiers: ClinVar variation 654283 (VCV000654283.8), dbSNP rs113713308, ClinGen allele CA8390565.